The following is an entry in ClinVar:

NM_000742.4(CHRNA2):c.221C>A (p.Ala74Glu)

Gene: CHRNA2 (cholinergic receptor nicotinic alpha 2 subunit; minus strand). Cytogenetic location: 8p21.2.
Variant type: single nucleotide variant.
Coding change: c.221C>A on transcript NM_000742.4 (MANE Select); coding-DNA position 221, C replaced by A.
Protein change: p.Ala74Glu; replaces alanine 74 with glutamic acid.
Molecular consequence: missense variant. On other transcripts: 5 prime UTR variant (4).
Genome position (GRCh38, 1-based): chr8:27,469,834, G>T on the plus strand (C>A on the coding strand, the complement: CHRNA2 is on the minus strand). VCF-style: chr8-27469834-G-T. GRCh37 (hg19) VCF-style: chr8-27327351-G-T.
Other names: c.221C>A, p.Ala74Glu (NM_001282455.2); c.-207C>A (NM_001347705.2); c.-252C>A (NM_001347706.2); c.-193C>A (NM_001347707.2); c.-241C>A (NM_001347708.2); short protein forms A74E.
Identifiers: ClinVar variation 1721760 (VCV001721760.5), dbSNP rs759595350, ClinGen allele CA370812992.

ClinVar aggregate classification (germline): Uncertain significance (1 of 4 stars; one submission).

Conditions:
Familial sleep-related hypermotor epilepsy. Also called: Autosomal Dominant Sleep-Related Hypermotor (Hyperkinetic) Epilepsy. Identifiers: Orphanet 98784, MedGen C3696898, MONDO:0000030.

Submission:

Labcorp Genetics (formerly Invitae), Labcorp
Classification: Uncertain significance. Last evaluated: 2022-10-17. Review status: criteria provided, single submitter. Criteria: Invitae Variant Classification Sherloc (09022015). Collection method: clinical testing. Allele origin: germline.
Comment: In summary, the available evidence is currently insufficient to determine the role of this variant in disease. Therefore, it has been classified as a Variant of Uncertain Significance. Advanced modeling of protein sequence and biophysical properties (such as structural, functional, and spatial information, amino acid conservation, physicochemical variation, residue mobility, and thermodynamic stability) performed at Invitae indicates that this missense variant is not expected to disrupt CHRNA2 protein function. This variant has not been reported in the literature in individuals affected with CHRNA2-related conditions. This variant is not present in population databases (gnomAD no frequency). This sequence change replaces alanine, which is neutral and non-polar, with glutamic acid, which is acidic and polar, at codon 74 of the CHRNA2 protein (p.Ala74Glu).